The following is an entry in ClinVar:

ClinVar aggregate classification (germline): Uncertain significance (1 of 4 stars; one submission).

Conditions:
Hereditary cancer-predisposing syndrome. Also called: Tumor predisposition; Hereditary Cancer Syndrome; Hereditary neoplastic syndrome; Neoplastic Syndromes, Hereditary. Identifiers: Orphanet 140162, MedGen C0027672, MeSH D009386, MONDO:0015356.

Submission:

Ambry Genetics
Classification: Uncertain significance for Hereditary cancer-predisposing syndrome. Last evaluated: 2024-03-22. Review status: criteria provided, single submitter. Criteria: Ambry Variant Classification Scheme 2023. Collection method: clinical testing. Allele origin: germline.
Comment: The p.E576D variant (also known as c.1728G>C), located in coding exon 13 of the POLD1 gene, results from a G to C substitution at nucleotide position 1728. The glutamic acid at codon 576 is replaced by aspartic acid, an amino acid with highly similar properties. This amino acid position is conserved. In addition, this alteration is predicted to be tolerated by in silico analysis. Based on the available evidence, the clinical significance of this alteration remains unclear.

NM_002691.4(POLD1):c.1728G>C (p.Glu576Asp)

Gene: POLD1 (DNA polymerase delta 1, catalytic subunit; plus strand). Cytogenetic location: 19q13.33.
Variant type: single nucleotide variant.
Coding change: c.1728G>C on transcript NM_002691.4 (MANE Select); coding-DNA position 1728, G replaced by C.
Protein change: p.Glu576Asp; replaces glutamic acid 576 with aspartic acid.
Molecular consequence: missense variant. On other transcripts: non-coding transcript variant (1).
Genome position (GRCh38, 1-based): chr19:50,407,368, G>C. VCF-style: chr19-50407368-G-C. GRCh37 (hg19) VCF-style: chr19-50910625-G-C.
Other names: c.1728G>C, p.Glu576Asp (NM_001256849.1, NM_001308632.1); short protein forms E576D.
Identifiers: ClinVar variation 3308278 (VCV003308278.1).